The following is an entry in ClinVar:

ClinVar aggregate classification (germline): Pathogenic/Likely pathogenic. Review status: criteria provided, multiple submitters, no conflicts (2 of 4 stars). 2 submissions from 2 submitters: Pathogenic (1); Likely pathogenic (1). Last evaluated 2024-02-17.

Conditions:
Leukoencephalopathy with vanishing white matter 1 (VWM1). Also called: Vanishing white matter leukodystrophy; EIF2B1-Related Childhood Ataxia with Central Nervous System Hypomyelination/Vanishing White Matter; CHILDHOOD ATAXIA WITH CENTRAL NERVOUS SYSTEM HYPOMYELINIZATION; Cree leukoencephalopathy. Identifiers: Orphanet 99854, MedGen C5779972, MONDO:0020507, OMIM 603896.

Submissions (2):

Fulgent Genetics
Classification: Likely pathogenic for Leukoencephalopathy with vanishing white matter 1. Last evaluated: 2024-02-17. Review status: criteria provided, single submitter. Criteria: ACMG Guidelines, 2015. Collection method: clinical testing. Allele origin: germline.

Labcorp Genetics (formerly Invitae), Labcorp
Classification: Pathogenic. Last evaluated: 2023-05-24. Review status: criteria provided, single submitter. Criteria: Invitae Variant Classification Sherloc (09022015). Collection method: clinical testing. Allele origin: germline.
Comment: For these reasons, this variant has been classified as Pathogenic. This variant has not been reported in the literature in individuals affected with EIF2B1-related conditions. This variant is present in population databases (no rsID available, gnomAD 0.007%). This sequence change creates a premature translational stop signal (p.Glu154Valfs*4) in the EIF2B1 gene. It is expected to result in an absent or disrupted protein product. Loss-of-function variants in EIF2B1 are known to be pathogenic (PMID: 11835386, 32865661).

Literature cited by the submitters: PubMed 11835386 (cited by Labcorp Genetics (formerly Invitae), Labcorp); PubMed 32865661 (cited by Labcorp Genetics (formerly Invitae), Labcorp).

NM_001414.4(EIF2B1):c.461_462del (p.Glu154fs)

Gene: EIF2B1 (eukaryotic translation initiation factor 2B subunit alpha; minus strand). Cytogenetic location: 12q24.31.
Variant type: Microsatellite.
Coding change: c.461_462del on transcript NM_001414.4 (MANE Select); coding-DNA positions 461 to 462, 2 bases deleted (AG; older notation c.461_462delAG).
Protein change: p.Glu154fs; shifts the reading frame from glutamic acid 154.
Molecular consequence: frameshift variant.
Genome position (GRCh38, 1-based): chr12:123,627,064-123,627,065, CT deleted on the plus strand (AG on the coding strand, the reverse complement: EIF2B1 is on the minus strand); deleting any 2 consecutive bases within chr12:123,627,064-123,627,067 gives the same sequence; the c. name uses the placement nearest the transcript's 3' end. VCF-style (leftmost placement, unchanged base first): chr12-123627063-ACT-A. GRCh37 (hg19) VCF-style: chr12-124111610-ACT-A.
Other names: short protein forms E154fs.
Identifiers: ClinVar variation 2835749 (VCV002835749.4), dbSNP rs1435171602, ClinGen allele CA608506874.
Genomic context (GRCh38, chr12:123,627,063, plus strand): 5'-AAATTATGGCTGGGCACATAACTGAACAGAAAGGTACTTGCCCTGACAAATCAGGCTGTG[ACT>A]CTGTGACGTATACACTAAATCGCTTCTTGGCCGCCACGGCTGCTTCCAGGACTCTCAGGA-3'